The following is an entry in ClinVar:

ClinVar aggregate classification (germline): Uncertain significance (1 of 4 stars; one submission).

gnomAD v4.1: 1 of 1,601,658 alleles (0.000062%); highest among the groups gnomAD compares: African/African-American, 0.0013%; no homozygotes.

Submission:

GeneDx
Classification: Uncertain significance. Last evaluated: 2024-10-10. Review status: criteria provided, single submitter. Criteria: GeneDx Variant Classification Process June 2021. Collection method: clinical testing. Allele origin: germline. Affected: yes.
Comment: Not observed at significant frequency in large population cohorts (gnomAD); In silico analysis supports that this missense variant has a deleterious effect on protein structure/function; Has not been previously published as pathogenic or benign to our knowledge

NM_001145809.2(MYH14):c.5437C>T (p.Leu1813Phe)

Gene: MYH14 (myosin heavy chain 14; plus strand). Cytogenetic location: 19q13.33.
Variant type: single nucleotide variant.
Coding change: c.5437C>T on transcript NM_001145809.2 (MANE Select); coding-DNA position 5437, C replaced by T.
Protein change: p.Leu1813Phe; replaces leucine 1813 with phenylalanine.
Molecular consequence: missense variant.
Genome position (GRCh38, 1-based): chr19:50,293,655, C>T. VCF-style: chr19-50293655-C-T. GRCh37 (hg19) VCF-style: chr19-50796912-C-T.
Other names: c.5338C>T, p.Leu1780Phe (NM_001077186.2); c.5314C>T, p.Leu1772Phe (NM_024729.4); short protein forms L1772F, L1780F, L1813F.
Identifiers: ClinVar variation 3777422 (VCV003777422.1).